The following is an entry in ClinVar:

ClinVar aggregate classification (germline): Uncertain significance (1 of 4 stars; one submission).

Allele frequency attached by ClinVar (database versions not stated): gnomAD exomes 0.00001 and 0.00002; ExAC 0.00002; TOPMed 0.00004.

Submission:

Labcorp Genetics (formerly Invitae), Labcorp
Classification: Uncertain significance. Last evaluated: 2025-12-30. Review status: criteria provided, single submitter. Criteria: Invitae Variant Classification Sherloc (09022015). Collection method: clinical testing. Allele origin: germline.
Comment: This sequence change replaces arginine, which is basic and polar, with histidine, which is basic and polar, at codon 299 of the OTULIN protein (p.Arg299His). This variant is present in population databases (rs775311956, gnomAD 0.009%). This variant has not been reported in the literature in individuals affected with OTULIN-related conditions. ClinVar contains an entry for this variant (Variation ID: 1507380). Invitae Evidence Modeling of protein sequence and biophysical properties (such as structural, functional, and spatial information, amino acid conservation, physicochemical variation, residue mobility, and thermodynamic stability) indicates that this missense variant is not expected to disrupt OTULIN protein function with a negative predictive value of 80%. In summary, the available evidence is currently insufficient to determine the role of this variant in disease. Therefore, it has been classified as a Variant of Uncertain Significance.

NM_138348.6(OTULIN):c.896G>A (p.Arg299His)

Gene: OTULIN (OTU deubiquitinase with linear linkage specificity; plus strand). Cytogenetic location: 5p15.2.
Variant type: single nucleotide variant.
Coding change: c.896G>A on transcript NM_138348.6 (MANE Select); coding-DNA position 896, G replaced by A.
Protein change: p.Arg299His; replaces arginine 299 with histidine.
Molecular consequence: missense variant.
Genome position (GRCh38, 1-based): chr5:14,692,885, G>A. VCF-style: chr5-14692885-G-A. GRCh37 (hg19) VCF-style: chr5-14692994-G-A.
Other names: short protein forms R299H.
Identifiers: ClinVar variation 1507380 (VCV001507380.6), dbSNP rs775311956, ClinGen allele CA3208707.